The following is an entry in ClinVar:

ClinVar aggregate classification (germline): Uncertain significance. Review status: criteria provided, multiple submitters, no conflicts (2 of 4 stars). 8 submissions from 8 submitters: Uncertain significance (6). 2 of the submissions do not count toward it. Last evaluated 2026-03-06.

Conditions:
Harel-Yoon syndrome (HAYOS). Also called: Optic atrophy-peripheral neuropathy-developmental delay syndrome. Identifiers: Orphanet 496790, MedGen C4310677, MONDO:0014958, OMIM 617183.

Allele frequency attached by ClinVar (database versions not stated): ESP Exome Variant Server 0.00031; gnomAD 0.00039 and 0.00042; gnomAD exomes 0.00043 and 0.00053; ExAC 0.00044; TOPMed 0.00047.
gnomAD v4.1: 832 of 1,613,076 alleles (0.052%); highest among the groups gnomAD compares: Middle Eastern, 0.43%; 2 homozygotes.

Submissions (8):

Women's Health and Genetics/Laboratory Corporation of America, LabCorp
Classification: Uncertain significance. Last evaluated: 2026-03-06. Review status: criteria provided, single submitter. Criteria: LabCorp Variant Classification Summary - May 2015. Collection method: clinical testing. Allele origin: germline.
Comment: Variant summary: ATAD3A c.1633G>A (p.Glu545Lys) results in a conservative amino acid change in the encoded protein sequence. Algorithms developed to predict the effect of missense changes on protein structure and function are either unavailable or do not agree on the potential impact of this missense change. The variant allele was found at a frequency of 0.00043 in 249742 control chromosomes. This frequency is not significantly higher than estimated for disease-causing variants in ATAD3A, allowing no conclusion about variant significance. To our knowledge, no occurrence of c.1633G>A in individuals affected with ATAD3A-related conditions and no experimental evidence demonstrating its impact on protein function have been reported. ClinVar contains an entry for this variant (Variation ID: 1032688). Based on the evidence outlined above, the variant was classified as uncertain significance.

Blueprint Genetics
Classification: Uncertain significance. Last evaluated: 2024-08-02. Review status: criteria provided, single submitter. Criteria: ACMG Guidelines, 2015. Collection method: clinical testing. Allele origin: germline.

CeGaT Center for Human Genetics Tuebingen
Classification: Uncertain significance. Last evaluated: 2023-10-01. Review status: criteria provided, single submitter. Criteria: CeGaT Center For Human Genetics Tuebingen Variant Classification Criteria Version 2. Collection method: clinical testing. Allele origin: germline. Affected: yes. Observed: 1 variant allele.

GeneDx
Classification: Uncertain significance. Last evaluated: 2021-01-22. Review status: criteria provided, single submitter. Criteria: GeneDx Variant Classification Process June 2021. Collection method: clinical testing. Allele origin: germline. Affected: yes.
Comment: Has not been previously published as pathogenic or benign to our knowledge; In silico analysis supports that this missense variant has a deleterious effect on protein structure/function

Baylor Genetics
Classification: Uncertain significance for Harel-Yoon syndrome. Last evaluated: 2018-01-13. Review status: criteria provided, single submitter. Criteria: ACMG Guidelines, 2015. Collection method: clinical testing. Allele origin: paternal. Affected: yes.
Comment: This variant was determined to be of uncertain significance according to ACMG Guidelines, 2015 [PMID:25741868].

Breakthrough Genomics
Classification: Uncertain significance. Review status: criteria provided, single submitter. Criteria: ACMG Guidelines, 2015. Collection method: not provided. Allele origin: germline. Inheritance: Autosomal recessive inheritance. Affected: yes.

Clinical Genetics DNA and cytogenetics Diagnostics Lab, Erasmus MC, Erasmus Medical Center
Classification: Uncertain significance. Review status: no assertion criteria provided. Collection method: clinical testing. Allele origin: germline. Affected: yes. Study: VKGL Data-share Consensus. Not counted in ClinVar's aggregate classification.

Laboratory of Diagnostic Genome Analysis, Leiden University Medical Center (LUMC)
Classification: Uncertain significance. Review status: no assertion criteria provided. Collection method: clinical testing. Allele origin: germline. Affected: yes. Study: VKGL Data-share Consensus. Not counted in ClinVar's aggregate classification.

NM_001170535.3(ATAD3A):c.1633G>A (p.Glu545Lys)

Gene: ATAD3A (ATPase family AAA domain containing 3A; plus strand). Cytogenetic location: 1p36.33.
Variant type: single nucleotide variant.
Coding change: c.1633G>A on transcript NM_001170535.3 (MANE Select); coding-DNA position 1633, G replaced by A.
Protein change: p.Glu545Lys; replaces glutamic acid 545 with lysine.
Molecular consequence: missense variant.
Genome position (GRCh38, 1-based): chr1:1,533,944, G>A. VCF-style: chr1-1533944-G-A. GRCh37 (hg19) VCF-style: chr1-1469324-G-A.
Other names: c.1396G>A, p.Glu466Lys (NM_001170536.3); c.1777G>A, p.Glu593Lys (NM_018188.5); short protein forms E466K, E545K, E593K.
Identifiers: ClinVar variation 1032688 (VCV001032688.32), dbSNP rs149497281, ClinGen allele CA526525.